The following is an entry in ClinVar:

ClinVar aggregate classification (germline): Likely pathogenic (1 of 4 stars; one submission).

Allele frequency attached by ClinVar (database versions not stated): gnomAD exomes below 0.00001.

Submission:

Labcorp Genetics (formerly Invitae), Labcorp
Classification: Likely pathogenic. Last evaluated: 2022-03-18. Review status: criteria provided, single submitter. Criteria: Invitae Variant Classification Sherloc (09022015). Collection method: clinical testing. Allele origin: germline.
Comment: Algorithms developed to predict the effect of sequence changes on RNA splicing suggest that this variant may disrupt the consensus splice site. This variant has not been reported in the literature in individuals affected with CNGA1-related conditions. This variant is not present in population databases (gnomAD no frequency). This sequence change affects a splice site in intron 8 of the CNGA1 gene. It is expected to disrupt RNA splicing. Variants that disrupt the donor or acceptor splice site typically lead to a loss of protein function (PMID: 16199547), and loss-of-function variants in CNGA1 are known to be pathogenic (PMID: 7479749, 25268133). In summary, the currently available evidence indicates that the variant is pathogenic, but additional data are needed to prove that conclusively. Therefore, this variant has been classified as Likely Pathogenic.

Literature cited by the submitters: PubMed 16199547; PubMed 7479749; PubMed 25268133.

NM_001379270.1(CNGA1):c.437+2del

Genes: CNGA1 (cyclic nucleotide gated channel subunit alpha 1; minus strand), LOC101927157 (uncharacterized LOC101927157; plus strand). Cytogenetic location: 4p12.
Variant type: Deletion.
Coding change: c.437+2del on transcript NM_001379270.1 (MANE Select); the canonical splice donor site of the intron after coding-DNA position 437, one base deleted (T; older notation c.437+2delT).
Molecular consequence: splice donor variant.
Genome position (GRCh38, 1-based): chr4:47,943,179, A deleted on the plus strand (T on the coding strand, the reverse complement: CNGA1 is on the minus strand). VCF-style (leftmost placement, unchanged base first): chr4-47943178-TA-T. GRCh37 (hg19) VCF-style: chr4-47945195-TA-T.
Other names: c.437+2del (NM_000087.5, NM_001142564.2).
Identifiers: ClinVar variation 1508241 (VCV001508241.6), dbSNP rs2110141740, ClinGen allele CA2573137702.
Genomic context (GRCh38, chr4:47,943,178, plus strand): 5'-TCATCCCTGCATCTAAAACCCATCACAATTTCCTTCTATTTCAATGCCACTAAAAGTGCT[TA>T]CTCTTCTTTCTTATCTTTGCTTTTCTCCTCTTTCTTTTTCTTCTCTTTGTCCTTTTTCTT-3'